The following is an entry in ClinVar:

NM_000073.3(CD3G):c.41T>A (p.Ile14Asn)

Gene: CD3G (CD3 gamma subunit of T-cell receptor complex; plus strand). Cytogenetic location: 11q23.3.
Variant type: single nucleotide variant.
Coding change: c.41T>A on transcript NM_000073.3 (MANE Select); coding-DNA position 41, T replaced by A.
Protein change: p.Ile14Asn; replaces isoleucine 14 with asparagine.
Molecular consequence: missense variant.
Genome position (GRCh38, 1-based): chr11:118,344,464, T>A. VCF-style: chr11-118344464-T-A. GRCh37 (hg19) VCF-style: chr11-118215179-T-A.
Other names: short protein forms I14N.
Identifiers: ClinVar variation 1381729 (VCV001381729.8), dbSNP rs1948336501, ClinGen allele CA382791675.

ClinVar aggregate classification (germline): Uncertain significance (1 of 4 stars; one submission).

Conditions:
Combined immunodeficiency due to CD3gamma deficiency. Also called: Immunodeficiency 17; CD3-GAMMA DEFICIENCY; SCID-LIKE IMMUNODEFICIENCY, T CELL-PARTIAL, B CELL-POSITIVE, NK CELL-POSITIVE; Immunodeficiency 17, CD3 gamma deficient. Identifiers: Orphanet 169082, MedGen C3810107, MONDO:0014276, OMIM 615607.

Allele frequency attached by ClinVar (database versions not stated): TOPMed 0.00002.

Submission:

Labcorp Genetics (formerly Invitae), Labcorp
Classification: Uncertain significance for Combined immunodeficiency due to CD3gamma deficiency. Last evaluated: 2022-07-19. Review status: criteria provided, single submitter. Criteria: Invitae Variant Classification Sherloc (09022015). Collection method: clinical testing. Allele origin: germline.
Comment: In summary, the available evidence is currently insufficient to determine the role of this variant in disease. Therefore, it has been classified as a Variant of Uncertain Significance. Algorithms developed to predict the effect of missense changes on protein structure and function are either unavailable or do not agree on the potential impact of this missense change (SIFT: "Deleterious"; PolyPhen-2: "Possibly Damaging"; Align-GVGD: "Class C0"). ClinVar contains an entry for this variant (Variation ID: 1381729). This variant has not been reported in the literature in individuals affected with CD3G-related conditions. This variant is not present in population databases (gnomAD no frequency). This sequence change replaces isoleucine, which is neutral and non-polar, with asparagine, which is neutral and polar, at codon 14 of the CD3G protein (p.Ile14Asn).